The following is an entry in ClinVar:

NM_014370.4(SRPK3):c.617G>T (p.Cys206Phe)

Gene: SRPK3 (SRSF protein kinase 3; plus strand). Cytogenetic location: Xq28.
Variant type: single nucleotide variant.
Coding change: c.617G>T on transcript NM_014370.4 (MANE Select); coding-DNA position 617, G replaced by T.
Protein change: p.Cys206Phe; replaces cysteine 206 with phenylalanine.
Molecular consequence: missense variant.
Genome position (GRCh38, 1-based): chrX:153,782,987, G>T. VCF-style: chrX-153782987-G-T. GRCh37 (hg19) VCF-style: chrX-153048442-G-T.
Other names: c.617G>T, p.Cys206Phe (NM_001170760.2, NM_001170761.2); short protein forms C206F.
Identifiers: ClinVar variation 3600711 (VCV003600711.1).

ClinVar aggregate classification (germline): Uncertain significance (1 of 4 stars; one submission).

Submission:

GeneDx
Classification: Uncertain significance. Last evaluated: 2024-02-27. Review status: criteria provided, single submitter. Criteria: GeneDx Variant Classification Process June 2021. Collection method: clinical testing. Allele origin: germline. Affected: yes.
Comment: Not observed at significant frequency in large population cohorts (gnomAD); In silico analysis supports that this missense variant has a deleterious effect on protein structure/function; Has not been previously published as pathogenic or benign to our knowledge; Variants in candidate genes are classified as variants of uncertain significance in accordance with ACMG guidelines (PMID: 25741868)